The following is an entry in ClinVar:

ClinVar aggregate classification (germline): Benign. Review status: criteria provided, multiple submitters, no conflicts (2 of 4 stars). 5 submissions from 5 submitters: Benign (2). 3 of the submissions do not count toward it. Last evaluated 2026-01-17.

Conditions:
MFRP-related disorder. Also called: MFRP-related disorders; MFRP-related condition.
Isolated microphthalmia 5. Also called: Posterior Microphthalmia with Retinitis Pigmentosa, Foveoschisis, and Optic Disc Drusen. Identifiers: Orphanet 251279, MedGen C1970236, MONDO:0012605, OMIM 611040.

Allele frequency attached by ClinVar (database versions not stated): gnomAD 0.00176 and 0.00183; ExAC 0.00282; 1000 Genomes Project 30x 0.00187; TOPMed 0.00196; 1000 Genomes Project 0.00200; ESP Exome Variant Server 0.00216; gnomAD exomes 0.00245 and 0.00295.
gnomAD v4.1: 3,850 of 1,613,942 alleles (0.24%); highest among the groups gnomAD compares: Middle Eastern, 0.78%; 18 homozygotes.

Submissions (5):

Labcorp Genetics (formerly Invitae), Labcorp
Classification: Benign for Isolated microphthalmia 5. Last evaluated: 2026-01-17. Review status: criteria provided, single submitter. Criteria: Invitae Variant Classification Sherloc (09022015). Collection method: clinical testing. Allele origin: germline.

Eurofins Ntd Llc (ga)
Classification: Benign. Last evaluated: 2014-10-22. Review status: criteria provided, single submitter. Criteria: EGL Classification Definitions 2015. Collection method: clinical testing. Allele origin: germline. Observed: 1 variant allele, 1 heterozygote.

PreventionGenetics, part of Exact Sciences
Classification: Benign for MFRP-related condition. Last evaluated: 2024-03-07. Review status: no assertion criteria provided. Collection method: clinical testing. Allele origin: germline. Not counted in ClinVar's aggregate classification.
Comment: This variant is classified as benign based on ACMG/AMP sequence variant interpretation guidelines (Richards et al. 2015 PMID: 25741868, with internal and published modifications).

Clinical Genetics DNA and cytogenetics Diagnostics Lab, Erasmus MC, Erasmus Medical Center
Classification: Likely benign. Review status: no assertion criteria provided. Collection method: clinical testing. Allele origin: germline. Affected: yes. Study: VKGL Data-share Consensus. Not counted in ClinVar's aggregate classification.

Clinical Genetics, Academic Medical Center
Classification: Benign. Review status: no assertion criteria provided. Collection method: clinical testing. Allele origin: germline. Affected: yes. Study: VKGL Data-share Consensus. Not counted in ClinVar's aggregate classification.

NM_031433.4(MFRP):c.773-9C>T

Genes: C1QTNF5 (C1q and TNF related 5; minus strand), MFRP (membrane frizzled-related protein; minus strand). Cytogenetic location: 11q23.3.
Variant type: single nucleotide variant.
Coding change: c.773-9C>T on transcript NM_031433.4 (MANE Select); 9 bases into the intron before coding-DNA position 773, C replaced by T.
Molecular consequence: intron variant.
Genome position (GRCh38, 1-based): chr11:119,344,766, G>A on the plus strand (C>T on the coding strand, the complement: MFRP is on the minus strand). VCF-style: chr11-119344766-G-A. GRCh37 (hg19) VCF-style: chr11-119215476-G-A.
Other names: c.-1864-9C>T (NM_015645.5).
Identifiers: ClinVar variation 198596 (VCV000198596.22), dbSNP rs187321874, ClinGen allele CA017163.
Genomic context (GRCh38, chr11:119,344,766, plus strand): 5'-GGTAGCAGGCAGATGAGCTGGTCACAGCGGAACTCATCATGGGCACAGCTCCCTGGATGT[G>A]GGCACCAGGAGTCAGGGAGGCCCGGAGTCTCCACCCCTTTGACAGGACTGGGAGTGGGTG-3'